The following is an entry in ClinVar:

ClinVar aggregate classification (germline): Likely benign (1 of 4 stars; one submission).

Conditions:
Leigh syndrome (NULS). Also called: Leigh's necrotizing encephalopathy; Leigh's disease; Leigh's syndrome; LEIGH SYNDROME, NUCLEAR; Leigh Syndrome (mtDNA deletion); Leigh Disease. Identifiers: Orphanet 506, MedGen C2931891, MONDO:0009723, OMIM 256000.

Submission:

Wong Mito Lab, Molecular and Human Genetics, Baylor College of Medicine
Classification: Likely benign for Leigh syndrome. Last evaluated: 2019-10-17. Review status: criteria provided, single submitter. Criteria: Modified ACMG Guidelines (Unpublished). Collection method: clinical testing. Allele origin: germline.
Comment: The NC_012920.1:m.13615A>G (YP_003024036.1:p.Ile427Val) variant in MTND5 gene is interpretated to be a Likely Benign variant based on the modified ACMG guidelines (unpublished). This variant meets the following evidence codes: BS4, BP4

NC_012920.1(MT-ND5):m.13615A>G

Gene: MT-ND5 (mitochondrially encoded NADH dehydrogenase 5; plus strand).
Variant type: single nucleotide variant.
Genome position: chrM-13615-A-G.
Identifiers: ClinVar variation 693580 (VCV000693580.1), dbSNP rs1603224265, ClinGen allele CA414818768.